The following is an entry in ClinVar:

ClinVar aggregate classification (germline): Uncertain significance. Review status: criteria provided, multiple submitters, no conflicts (2 of 4 stars). 2 submissions from 2 submitters: Uncertain significance (2). Last evaluated 2025-10-24.

Conditions:
Inborn genetic diseases. Identifiers: MedGen C0950123, MeSH D030342.
Developmental and epileptic encephalopathy, 12 (DEE12). Identifiers: MedGen C3150988, MONDO:0013389, OMIM 613722.

Allele frequency attached by ClinVar (database versions not stated): gnomAD exomes 0.00001 and 0.00004; ExAC 0.00002; TOPMed 0.00002; gnomAD 0.00004.
gnomAD v4.1: 24 of 1,613,794 alleles (0.0015%); highest among the groups gnomAD compares: Non-Finnish European, 0.002%; no homozygotes.

Submissions (2):

Ambry Genetics
Classification: Uncertain significance for Inborn genetic diseases. Last evaluated: 2025-10-24. Review status: criteria provided, single submitter. Criteria: Ambry Variant Classification Scheme 2023. Collection method: clinical testing. Allele origin: germline.
Comment: The c.905A>G (p.E302G) alteration is located in exon 10 (coding exon 10) of the PLCB1 gene. This alteration results from a A to G substitution at nucleotide position 905, causing the glutamic acid (E) at amino acid position 302 to be replaced by a glycine (G). Based on data from gnomAD, the G allele has an overall frequency of 0.004% (11/251476) total alleles studied. The highest observed frequency was 0.016% (1/6138) of Other alleles. This amino acid position is well conserved in available vertebrate species. The in silico prediction for this alteration is inconclusive. Based on insufficient or conflicting evidence, the clinical significance of this alteration remains unclear.

Labcorp Genetics (formerly Invitae), Labcorp
Classification: Uncertain significance for Developmental and epileptic encephalopathy, 12. Last evaluated: 2022-02-04. Review status: criteria provided, single submitter. Criteria: Invitae Variant Classification Sherloc (09022015). Collection method: clinical testing. Allele origin: germline.
Comment: This sequence change replaces glutamic acid, which is acidic and polar, with glycine, which is neutral and non-polar, at codon 302 of the PLCB1 protein (p.Glu302Gly). This variant is present in population databases (rs774418267, gnomAD 0.008%). This variant has not been reported in the literature in individuals affected with PLCB1-related conditions. ClinVar contains an entry for this variant (Variation ID: 964851). Algorithms developed to predict the effect of missense changes on protein structure and function are either unavailable or do not agree on the potential impact of this missense change (SIFT: "Deleterious"; PolyPhen-2: "Possibly Damaging"; Align-GVGD: "Class C0"). In summary, the available evidence is currently insufficient to determine the role of this variant in disease. Therefore, it has been classified as a Variant of Uncertain Significance.

NM_015192.4(PLCB1):c.905A>G (p.Glu302Gly)

Gene: PLCB1 (phospholipase C beta 1; plus strand). Cytogenetic location: 20p12.3.
Variant type: single nucleotide variant.
Coding change: c.905A>G on transcript NM_015192.4 (MANE Select); coding-DNA position 905, A replaced by G.
Protein change: p.Glu302Gly; replaces glutamic acid 302 with glycine.
Molecular consequence: missense variant.
Genome position (GRCh38, 1-based): chr20:8,684,974, A>G. VCF-style: chr20-8684974-A-G. GRCh37 (hg19) VCF-style: chr20-8665621-A-G.
Other names: c.905A>G (NM_015192.2); c.905A>G, p.Glu302Gly (NM_182734.3); short protein forms E302G.
Identifiers: ClinVar variation 964851 (VCV000964851.8), dbSNP rs774418267, ClinGen allele CA9759851.